The following is an entry in ClinVar:

ClinVar aggregate classification (germline): Conflicting classifications of pathogenicity. Review status: criteria provided, conflicting classifications (1 of 4 stars). 5 submissions from 5 submitters: Likely pathogenic (1); Uncertain significance (4). Last evaluated 2026-09-23.

Conditions:
Developmental and epileptic encephalopathy, 1 (DEE1). Also called: X-linked infantile spasms; West's syndrome; Tonic spasms with clustering, arrest of psychomotor development and hypsarrhythmia on EEG; X-Linked Infantile Spasm Syndrome; OHTAHARA SYNDROME, X-LINKED; Epileptic encephalopathy, early infantile, 1. Identifiers: MedGen C3463992, MONDO:0010632, OMIM 308350. Disease mechanism: loss of function.
Autosomal recessive spinocerebellar ataxia 12. Also called: SPINOCEREBELLAR ATAXIA WITH MENTAL RETARDATION AND EPILEPSY. Identifiers: Orphanet 284282, MedGen C3280452, MONDO:0013687, OMIM 614322.
Inborn genetic diseases. Identifiers: MedGen C0950123, MeSH D030342.
Developmental and epileptic encephalopathy, 28 (DEE28). Also called: Epileptic encephalopathy, early infantile, 28. Identifiers: Orphanet 442835, MedGen C4015519, MONDO:0014533, OMIM 616211.

Allele frequency attached by ClinVar (database versions not stated): ExAC 0.00002; ESP Exome Variant Server 0.00008; TOPMed 0.00005.
gnomAD v4.1: 106 of 1,614,096 alleles (0.0066%); highest among the groups gnomAD compares: Non-Finnish European, 0.0087%; no homozygotes.

Submissions (5):

GeneDx
Classification: Likely pathogenic. Last evaluated: 2026-09-23. Review status: criteria provided, single submitter. Criteria: GeneDx Variant Classification Process June 2021. Collection method: clinical testing. Allele origin: germline.
Comment: Reported previously in a patient with developmental delay, hearing problems, seizures, drug resistance, MRI abnormalities, and hypotonia and in a patient with seizures; both patients were reported to have a second variant although specific segregation information was not provided (PMID: 40875931); Not observed at significant frequency in large population cohorts (gnomAD); In silico analysis supports that this missense variant has a deleterious effect on protein structure/function; This variant is associated with the following publications: (PMID: 40875931)

Labcorp Genetics (formerly Invitae), Labcorp
Classification: Uncertain significance for Developmental and epileptic encephalopathy, 1; Autosomal recessive spinocerebellar ataxia 12. Last evaluated: 2024-10-30. Review status: criteria provided, single submitter. Criteria: Invitae Variant Classification Sherloc (09022015). Collection method: clinical testing. Allele origin: germline.
Comment: This sequence change replaces asparagine, which is neutral and polar, with lysine, which is basic and polar, at codon 377 of the WWOX protein (p.Asn377Lys). This variant is present in population databases (rs377129275, gnomAD 0.01%). This variant has not been reported in the literature in individuals affected with WWOX-related conditions. ClinVar contains an entry for this variant (Variation ID: 540234). Invitae Evidence Modeling of protein sequence and biophysical properties (such as structural, functional, and spatial information, amino acid conservation, physicochemical variation, residue mobility, and thermodynamic stability) indicates that this missense variant is not expected to disrupt WWOX protein function with a negative predictive value of 80%. In summary, the available evidence is currently insufficient to determine the role of this variant in disease. Therefore, it has been classified as a Variant of Uncertain Significance.

Ambry Genetics
Classification: Uncertain significance for Inborn genetic diseases. Last evaluated: 2024-10-20. Review status: criteria provided, single submitter. Criteria: Ambry Variant Classification Scheme 2023. Collection method: clinical testing. Allele origin: germline.

Kids Research, The Children's Hospital at Westmead
Classification: Uncertain significance for Developmental and epileptic encephalopathy, 28. Last evaluated: 2024-09-20. Review status: criteria provided, single submitter. Criteria: ACMG Guidelines, 2015. Collection method: research. Allele origin: germline. Affected: yes.
Comment: PM2, PM3

Blueprint Genetics
Classification: Uncertain significance. Last evaluated: 2018-10-02. Review status: criteria provided, single submitter. Criteria: ACMG Guidelines, 2015. Collection method: clinical testing. Allele origin: germline.

NM_016373.4(WWOX):c.1131C>A (p.Asn377Lys)

Genes: MAF (MAF bZIP transcription factor; minus strand), WWOX (WW domain containing oxidoreductase; plus strand). Cytogenetic location: 16q23.2.
Variant type: single nucleotide variant.
Coding change: c.1131C>A on transcript NM_016373.4 (MANE Select); coding-DNA position 1131, C replaced by A.
Protein change: p.Asn377Lys; replaces asparagine 377 with lysine.
Molecular consequence: missense variant.
Genome position (GRCh38, 1-based): chr16:79,211,682, C>A. VCF-style: chr16-79211682-C-A. GRCh37 (hg19) VCF-style: chr16-79245579-C-A.
Other names: c.792C>A, p.Asn264Lys (NM_001291997.2); c.1131C>A (NM_016373.2); short protein forms N377K, N264K.
Identifiers: ClinVar variation 540234 (VCV000540234.12), dbSNP rs377129275, ClinGen allele CA8183749.
Genomic context (GRCh38, chr16:79,211,682, plus strand): 5'-CACCACCGTGTACTGTGCTGCTGTCCCAGAACTGGAGGGTCTGGGAGGGATGTACTTCAA[C>A]AACTGCTGCCGCTGCATGCCCTCACCAGAAGCTCAGAGCGAAGAGACGGCCCGGACCCTG-3'
Protein context (NP_057457.1, residues 367-387): ELEGLGGMYF[Asn377Lys]NCCRCMPSPE